The following is an entry in ClinVar:

ClinVar aggregate classification (germline): Uncertain significance. Review status: reviewed by expert panel (3 of 4 stars). 4 submissions from 4 submitters: Uncertain significance (1). 3 of the submissions do not count toward it. Last evaluated 2025-08-01.

Conditions:
RYR1-related disorder. Also called: RYR1-related disorders; RYR1-related condition. Identifiers: MedGen CN239331.
Malignant hyperthermia, susceptibility to, 1 (MHS1). Also called: RYR1-Related Malignant Hyperthermia Susceptibility; Malignant hyperthermia suceptibility 1; Anesthesia related hyperthermia; Malignant hyperpyrexia; Fulminating hyperpyrexia; Pharmacogenic myopathy. Identifiers: Orphanet 423, MedGen C2930980, MONDO:0007783, OMIM 145600.

Submissions (4):

ClinGen Malignant Hyperthermia Susceptibility Variant Curation Expert Panel, ClinGen
Classification: Uncertain significance for Malignant hyperthermia, susceptibility to, 1. Last evaluated: 2025-08-01. Review status: reviewed by expert panel. Criteria: ClinGen MHS ACMG Specifications V2. Collection method: curation. Allele origin: germline. Inheritance: Autosomal dominant inheritance. Study: ClinGen.
Comment: This pathogenicity assessment is relevant only for malignant hyperthermia susceptibility (MHS) inherited in an autosomal dominant pattern. Variants in RYR1 can also cause other myopathies inherited in an autosomal dominant pattern or in an autosomal recessive pattern. Some of these disorders may predispose individuals to malignant hyperthermia. RYR1 variants may also contribute to a malignant hyperthermia reaction in combination with other genetic and non-genetic factors and the clinician needs to consider such factors in making management decisions. This sequence variant predicts a substitution of arginine with lysine at codon 156 of the RYR1 protein, p.(Arg156Lys). This variant was not present in a large population database (gnomAD) at the time this variant was interpreted. This variant has been reported in individuals with a personal or family history of an MH episode or central core disease but without sufficient information to consider the reports for informing PS4 (PMID:16835904). No functional studies were identified for this variant. This variant resides in a region of RYR1 considered to be a hotspot for pathogenic variants that contribute to MHS, PM1 (PMID: 21118704). A REVEL score >0.85 (0.886) supports a pathogenic status for this variant, PP3_Moderate. This variant has been classified as a Variant of Unknown Significance. Criteria implemented: PM1, PP3_Moderate.

Labcorp Genetics (formerly Invitae), Labcorp
Classification: Uncertain significance for RYR1-related disorder. Last evaluated: 2023-03-01. Review status: criteria provided, single submitter. Criteria: Invitae Variant Classification Sherloc (09022015). Collection method: clinical testing. Allele origin: germline. Not counted in ClinVar's aggregate classification.
Comment: This sequence change replaces arginine, which is basic and polar, with lysine, which is basic and polar, at codon 156 of the RYR1 protein (p.Arg156Lys). This variant is not present in population databases (gnomAD no frequency). This missense change has been observed in individual(s) with autosomal dominant malignant hyperthermia and/or clinical features of autosomal dominant central core disease (PMID: 16835904, 35428369). In summary, the available evidence is currently insufficient to determine the role of this variant in disease. Therefore, it has been classified as a Variant of Uncertain Significance. ClinVar contains an entry for this variant (Variation ID: 133133). Advanced modeling of protein sequence and biophysical properties (such as structural, functional, and spatial information, amino acid conservation, physicochemical variation, residue mobility, and thermodynamic stability) has been performed at Invitae for this missense variant, however the output from this modeling did not meet the statistical confidence thresholds required to predict the impact of this variant on RYR1 protein function.

GeneDx
Classification: Uncertain significance. Last evaluated: 2020-09-14. Review status: criteria provided, single submitter. Criteria: GeneDx Variant Classification Process June 2021. Collection method: clinical testing. Allele origin: germline. Affected: yes. Not counted in ClinVar's aggregate classification.
Comment: Not observed in large population cohorts (Lek et al., 2016); In silico analysis, which includes protein predictors and evolutionary conservation, supports that this variant does not alter protein structure/function; This variant is associated with the following publications: (PMID: 19541610, 16917943, 16835904)

RYR1 database
No classification provided. Review status: no classification provided. Collection method: not provided. Allele origin: unknown. Not counted in ClinVar's aggregate classification.

Literature cited by the submitters: PubMed 16835904 (cited by Labcorp Genetics (formerly Invitae), Labcorp); PubMed 35428369 (cited by Labcorp Genetics (formerly Invitae), Labcorp).

NM_000540.3(RYR1):c.467G>A (p.Arg156Lys)

Gene: RYR1 (ryanodine receptor 1; plus strand). Cytogenetic location: 19q13.2.
Variant type: single nucleotide variant.
Coding change: c.467G>A on transcript NM_000540.3 (MANE Select); coding-DNA position 467, G replaced by A.
Protein change: p.Arg156Lys; replaces arginine 156 with lysine.
Molecular consequence: missense variant.
Genome position (GRCh38, 1-based): chr19:38,444,191, G>A. VCF-style: chr19-38444191-G-A. GRCh37 (hg19) VCF-style: chr19-38934831-G-A.
Other names: NM_000540.2(RYR1):c.467G>A; p.Arg156Lys; c.467G>A, p.Arg156Lys (NM_001042723.2); short protein forms R156K.
Identifiers: ClinVar variation 133133 (VCV000133133.9), dbSNP rs193922751, ClinGen allele CA024453.